The following is an entry in ClinVar:

ClinVar aggregate classification (germline): Uncertain significance (1 of 4 stars; one submission).

Submission:

GeneDx
Classification: Uncertain significance. Last evaluated: 2024-02-22. Review status: criteria provided, single submitter. Criteria: GeneDx Variant Classification Process June 2021. Collection method: clinical testing. Allele origin: germline. Affected: yes.
Comment: Has not been previously published as pathogenic or benign to our knowledge; Not observed at significant frequency in large population cohorts (gnomAD); In silico analysis supports that this missense variant has a deleterious effect on protein structure/function

NM_017617.5(NOTCH1):c.6721C>T (p.His2241Tyr)

Gene: NOTCH1 (notch receptor 1; minus strand). Cytogenetic location: 9q34.3.
Variant type: single nucleotide variant.
Coding change: c.6721C>T on transcript NM_017617.5 (MANE Select); coding-DNA position 6721, C replaced by T.
Protein change: p.His2241Tyr; replaces histidine 2241 with tyrosine.
Molecular consequence: missense variant.
Genome position (GRCh38, 1-based): chr9:136,497,018, G>A on the plus strand (C>T on the coding strand, the complement: NOTCH1 is on the minus strand). VCF-style: chr9-136497018-G-A. GRCh37 (hg19) VCF-style: chr9-139391470-G-A.
Other names: short protein forms H2241Y.
Identifiers: ClinVar variation 1308317 (VCV001308317.3), dbSNP rs2133317433, ClinGen allele CA375630504.